The following is an entry in ClinVar:

NM_000487.6(ARSA):c.912G>C (p.Lys304Asn)

Gene: ARSA (arylsulfatase A; minus strand). Cytogenetic location: 22q13.33.
Variant type: single nucleotide variant.
Coding change: c.912G>C on transcript NM_000487.6 (MANE Select); coding-DNA position 912, G replaced by C.
Protein change: p.Lys304Asn; replaces lysine 304 with asparagine.
Molecular consequence: missense variant.
Genome position (GRCh38, 1-based): chr22:50,626,221, C>G on the plus strand (G>C on the coding strand, the complement: ARSA is on the minus strand). VCF-style: chr22-50626221-C-G. GRCh37 (hg19) VCF-style: chr22-51064649-C-G.
Other names: c.912G>C, p.Lys304Asn (NM_001085425.3, NM_001085426.3, NM_001085427.3); c.654G>C, p.Lys218Asn (NM_001085428.3, NM_001362782.2); short protein forms K304N, K218N.
Identifiers: ClinVar variation 68158 (VCV000068158.3), dbSNP rs199476343, ClinGen allele CA219072.

ClinVar aggregate classification (germline): Likely pathogenic. Review status: criteria provided, single submitter (1 of 4 stars). 2 submissions from 2 submitters: Likely pathogenic (1). 1 of the submissions does not count toward it. Last evaluated 2025-02-06.

Conditions:
Metachromatic leukodystrophy (MLD). Also called: ARSA DEFICIENCY; CEREBROSIDE SULFATASE DEFICIENCY; METACHROMATIC LEUKOENCEPHALOPATHY; Cerebral sclerosis diffuse metachromatic form; Arylsulfatase A Deficiency; SULFATIDE LIPIDOSIS. Identifiers: Orphanet 512, MedGen C0023522, MONDO:0018868, OMIM 250100.

Allele frequency attached by ClinVar (database versions not stated): gnomAD exomes below 0.00001; TOPMed below 0.00001; gnomAD 0.00001.
gnomAD v4.1: 3 of 1,613,436 alleles (0.00019%); highest among the groups gnomAD compares: African/African-American, 0.0013%; no homozygotes.

Submissions (2):

Natera, Inc.
Classification: Likely pathogenic for Metachromatic leukodystrophy. Last evaluated: 2025-02-06. Review status: criteria provided, single submitter. Criteria: Natera Variant Classification Schema (03/2026). Collection method: clinical testing. Allele origin: germline.
Comment: The c.912G>C variant in ARSA is a missense variant predicted to cause substitution of lysine to asparagine at amino acid 304. This variant is rare in the general population with a frequency below the threshold expected for the associated phenotype(s). This variant has been observed in one or more individuals affected with the associated recessive disease, as either homozygous or compound heterozygous with a second variant (PMID: 18693274). Functional studies show that this variant may disrupt protein function (PMID: 18693274). Computational prediction algorithms indicate this variant is likely to affect gene or protein function. Given the available evidence, this variant is classified as Likely Pathogenic.

UniProtKB/Swiss-Prot
No classification provided. Review status: no classification provided. Collection method: not provided. Allele origin: not provided. Not counted in ClinVar's aggregate classification.

Literature cited by the submitters: PubMed 18693274 (cited by Natera, Inc.).